The following is an entry in ClinVar:

NM_001276345.2(TNNT2):c.*28C>T

Gene: TNNT2 (troponin T2, cardiac type; minus strand). Cytogenetic location: 1q32.1.
Variant type: single nucleotide variant.
Coding change: c.*28C>T on transcript NM_001276345.2 (MANE Select); 28 bases downstream of the stop codon, C replaced by T.
Molecular consequence: 3 prime UTR variant.
Genome position (GRCh38, 1-based): chr1:201,359,182, G>A on the plus strand (C>T on the coding strand, the complement: TNNT2 is on the minus strand). VCF-style: chr1-201359182-G-A. GRCh37 (hg19) VCF-style: chr1-201328310-G-A.
Other names: c.*28C>T (NM_000364.4, NM_001001430.3, NM_001001431.3 and 9 more transcripts).
Identifiers: ClinVar variation 3905151 (VCV003905151.10).

ClinVar aggregate classification (germline): Likely benign (1 of 4 stars; one submission).

gnomAD v4.1: 224 of 1,604,210 alleles (0.014%); highest among the groups gnomAD compares: African/African-American, 0.26%; 3 homozygotes.

Submission:

CeGaT Center for Human Genetics Tuebingen
Classification: Likely benign. Last evaluated: 2025-05-01. Review status: criteria provided, single submitter. Criteria: CeGaT Center For Human Genetics Tuebingen Variant Classification Criteria Version 2. Collection method: clinical testing. Allele origin: germline. Affected: yes. Observed: 1 variant allele.
Comment: TNNT2: BP4, BP7